The following is an entry in ClinVar:

ClinVar aggregate classification (germline): Likely benign (1 of 4 stars; one submission).

Allele frequency attached by ClinVar (database versions not stated): gnomAD exomes 0.00001.

Submission:

CeGaT Center for Human Genetics Tuebingen
Classification: Likely benign. Last evaluated: 2023-01-01. Review status: criteria provided, single submitter. Criteria: CeGaT Center For Human Genetics Tuebingen Variant Classification Criteria Version 2. Collection method: clinical testing. Allele origin: germline. Affected: yes. Observed: 1 variant allele.
Comment: EGR2: BP4, BP7

NM_000399.5(EGR2):c.1069C>T (p.Leu357=)

Gene: EGR2 (early growth response 2; minus strand). Cytogenetic location: 10q21.3.
Variant type: single nucleotide variant.
Coding change: c.1069C>T on transcript NM_000399.5 (MANE Select); coding-DNA position 1069, C replaced by T.
Protein change: p.Leu357=; no amino-acid change (leucine 357 retained).
Molecular consequence: synonymous variant.
Genome position (GRCh38, 1-based): chr10:62,813,569, G>A on the plus strand (C>T on the coding strand, the complement: EGR2 is on the minus strand). VCF-style: chr10-62813569-G-A. GRCh37 (hg19) VCF-style: chr10-64573329-G-A.
Other names: c.1069C>T, p.Leu357= (NM_001136177.3, NM_001136178.2); c.919C>T, p.Leu307= (NM_001136179.3, NM_001321037.2); c.1108C>T, p.Leu370= (NM_001410931.1).
Identifiers: ClinVar variation 2640505 (VCV002640505.24), dbSNP rs1268870102, ClinGen allele CA469996620.
Genomic context (GRCh38, chr10:62,813,569, plus strand): 5'-GCATGCAGATCCGACACTGGAAGGGCTTATGCCCAGTGTGGATTCGGATGTGCCGTGTCA[G>A]CTCGTCAGAGCGGGAGAACCGCCGGTCGCAGCCTTCTGCTGGGCACGGGTAGGGCCTCTC-3'
Protein context (NP_000390.2, residues 347-367): CDRRFSRSDE[Leu357=]TRHIRIHTGH